The following is an entry in ClinVar:

NM_020632.3(ATP6V0A4):c.1231G>T (p.Asp411Tyr)

Gene: ATP6V0A4 (ATPase H+ transporting V0 subunit a4; minus strand). Cytogenetic location: 7q34.
Variant type: single nucleotide variant.
Coding change: c.1231G>T on transcript NM_020632.3 (MANE Select); coding-DNA position 1231, G replaced by T.
Protein change: p.Asp411Tyr; replaces aspartic acid 411 with tyrosine.
Molecular consequence: missense variant.
Genome position (GRCh38, 1-based): chr7:138,747,514, C>A on the plus strand (G>T on the coding strand, the complement: ATP6V0A4 is on the minus strand). VCF-style: chr7-138747514-C-A. GRCh37 (hg19) VCF-style: chr7-138432259-C-A.
Other names: c.1231G>T, p.Asp411Tyr (NM_130840.3, NM_130841.3); short protein forms D411Y.
Identifiers: ClinVar variation 384333 (VCV000384333.22), dbSNP rs763982675, ClinGen allele CA4504840.

ClinVar aggregate classification (germline): Pathogenic/Likely pathogenic. Review status: criteria provided, multiple submitters, no conflicts (2 of 4 stars). 7 submissions from 7 submitters: Pathogenic (4); Likely pathogenic (3). Last evaluated 2026-08-01.

Conditions:
Autosomal recessive distal renal tubular acidosis. Identifiers: Orphanet 402041, MedGen C1864498, MONDO:0018440.
ATP6V0A4-related disorder. Also called: ATP6V0A4-related condition.
Renal tubular acidosis, distal, 3, with or without sensorineural hearing loss (DRTA3). Identifiers: MedGen C5399980, MONDO:0011268, OMIM 602722.

Allele frequency attached by ClinVar (database versions not stated): gnomAD 0.00002; TOPMed 0.00004; ExAC 0.00007; gnomAD exomes 0.00008.
gnomAD v4.1: 35 of 1,614,000 alleles (0.0022%); highest among the groups gnomAD compares: Admixed American, 0.037%; no homozygotes.

Submissions (7):

CeGaT Center for Human Genetics Tuebingen
Classification: Likely pathogenic. Last evaluated: 2026-08-01. Review status: criteria provided, single submitter. Criteria: CeGaT Center For Human Genetics Tuebingen Variant Classification Criteria Version 2. Collection method: clinical testing. Allele origin: germline. Affected: yes. Observed: 1 variant allele.
Comment: ATP6V0A4: PM3:Strong, PM2, PP3

Labcorp Genetics (formerly Invitae), Labcorp
Classification: Pathogenic. Last evaluated: 2025-09-16. Review status: criteria provided, single submitter. Criteria: Invitae Variant Classification Sherloc (09022015). Collection method: clinical testing. Allele origin: germline.
Comment: This sequence change replaces aspartic acid, which is acidic and polar, with tyrosine, which is neutral and polar, at codon 411 of the ATP6V0A4 protein (p.Asp411Tyr). This variant is present in population databases (rs763982675, gnomAD 0.04%). This missense change has been observed in individual(s) with renal tubular acidosis (PMID: 26208211, 27247958). In at least one individual the data is consistent with being in trans (on the opposite chromosome) from a pathogenic variant. It has also been observed to segregate with disease in related individuals. ClinVar contains an entry for this variant (Variation ID: 384333). Invitae Evidence Modeling of protein sequence and biophysical properties (such as structural, functional, and spatial information, amino acid conservation, physicochemical variation, residue mobility, and thermodynamic stability) indicates that this missense variant is expected to disrupt ATP6V0A4 protein function with a positive predictive value of 80%. For these reasons, this variant has been classified as Pathogenic.

GeneDx
Classification: Likely pathogenic. Last evaluated: 2025-05-01. Review status: criteria provided, single submitter. Criteria: GeneDx Variant Classification Process June 2021. Collection method: clinical testing. Allele origin: germline. Affected: yes.
Comment: In silico analysis supports that this missense variant has a deleterious effect on protein structure/function; This variant is associated with the following publications: (PMID: 26208211, 27247958, 35368817, 31738409, 33528536)

Fulgent Genetics
Classification: Pathogenic for Renal tubular acidosis, distal, 3, with or without sensorineural hearing loss. Last evaluated: 2024-03-06. Review status: criteria provided, single submitter. Criteria: ACMG Guidelines, 2015. Collection method: clinical testing. Allele origin: germline.

PreventionGenetics, part of Exact Sciences
Classification: Pathogenic for ATP6V0A4-related condition. Last evaluated: 2023-04-20. Review status: criteria provided, single submitter. Criteria: ACMG Guidelines, 2015. Collection method: clinical testing. Allele origin: germline.
Comment: The ATP6V0A4 c.1231G>T variant is predicted to result in the amino acid substitution p.Asp411Tyr. This variant has been reported to be pathogenic for distal renal tubular acidosis (dRTA) (Escobar et al. 2016. PubMed ID: 27247958; reported as c.1232G>T in Pereira et al. 2015. PubMed ID: 26208211). Escobar et al. suggested this is a founder variant in individuals of Mexican ancestry. This variant is reported in 0.043% of alleles in individuals of Latino descent in gnomAD. This variant is interpreted as pathogenic.

Women's Health and Genetics/Laboratory Corporation of America, LabCorp
Classification: Pathogenic for Autosomal recessive distal renal tubular acidosis. Last evaluated: 2022-06-02. Review status: criteria provided, single submitter. Criteria: LabCorp Variant Classification Summary - May 2015. Collection method: clinical testing. Allele origin: germline.
Comment: Variant summary: ATP6V0A4 c.1231G>T (p.Asp411Tyr) results in a non-conservative amino acid change in the encoded protein sequence. Five of five in-silico tools predict a damaging effect of the variant on protein function. The variant allele was found at a frequency of 8e-05 in 251452 control chromosomes. This frequency is not significantly higher than estimated for a pathogenic variant in ATP6V0A4 causing Renal Tubular Acidosis, Distal, Autosomal Recessive (8e-05 vs 0.0011), allowing no conclusion about variant significance. c.1231G>T has been reported in the literature in multiple individuals affected with Renal Tubular Acidosis, Distal, Autosomal Recessive (example, Escobar_2016, Pereira_2015, Mansilla_2021). These data indicate that the variant is very likely to be associated with disease. To our knowledge, no experimental evidence demonstrating an impact on protein function has been reported. Four clinical diagnostic laboratories have submitted clinical-significance assessments for this variant to ClinVar after 2014 without evidence for independent evaluation. All laboratories classified the variant as pathogenic/likely pathogenic. Based on the evidence outlined above, the variant was classified as pathogenic.

Illumina Laboratory Services, Illumina
Classification: Likely pathogenic for Renal tubular acidosis, distal, 3, with or without sensorineural hearing loss. Last evaluated: 2018-10-26. Review status: criteria provided, single submitter. Criteria: ICSL Variant Classification Criteria 09 May 2019. Collection method: clinical testing. Allele origin: germline.
Comment: The ATP6V0A4 c.1231G>T (p.Asp411Tyr) variant has been described in two studies in which it was found in a total of six patiens with distal renal tubular acidosis from five families, including four in a homozygous state and two in a compound heterozygous state (Pereira et al. 2015; Escobar et al. 2016). The Asp411 residue is highly conserved. Control data are unavailable for this variant, which is reported at a frequency of 0.00061 in the Latino population of the Exome Aggregation Consortium. Based on the evidence, the p.Asp411Tyr variant is classified as likely pathogenic for recessive distal renal tubular acidosis. This variant was observed by ICSL as part of a predisposition screen in an ostensibly healthy population.

Literature cited by the submitters: PubMed 26208211 (cited by 3 submitters); PubMed 27247958 (cited by 3 submitters); PubMed 31738409 (cited by Women's Health and Genetics/Laboratory Corporation of America, LabCorp); PubMed 29398133 (cited by Women's Health and Genetics/Laboratory Corporation of America, LabCorp).